The following is an entry in ClinVar:

NM_005732.4(RAD50):c.2177G>A (p.Arg726His)

Gene: RAD50 (RAD50 double strand break repair protein; plus strand). Cytogenetic location: 5q31.1.
Variant type: single nucleotide variant.
Coding change: c.2177G>A on transcript NM_005732.4 (MANE Select); coding-DNA position 2177, G replaced by A.
Protein change: p.Arg726His; replaces arginine 726 with histidine.
Molecular consequence: missense variant.
Genome position (GRCh38, 1-based): chr5:132,595,780, G>A. VCF-style: chr5-132595780-G-A. GRCh37 (hg19) VCF-style: chr5-131931472-G-A.
Other names: p.R726H:CGT>CAT; short protein forms R726H.
Identifiers: ClinVar variation 128001 (VCV000128001.34), dbSNP rs28903092, ClinGen allele CA331865.

ClinVar aggregate classification (germline): Conflicting classifications of pathogenicity. Review status: criteria provided, conflicting classifications (1 of 4 stars). 11 submissions from 11 submitters: Uncertain significance (8); Likely benign (2). 1 of the submissions does not count toward it. Last evaluated 2026-08-26.

Conditions:
RAD50-related disorder. Also called: RAD50-related condition.
Hereditary cancer-predisposing syndrome. Also called: Tumor predisposition; Neoplastic Syndromes, Hereditary; Hereditary neoplastic syndrome; Hereditary Cancer Syndrome. Identifiers: Orphanet 140162, MedGen C0027672, MeSH D009386, MONDO:0015356.
Nijmegen breakage syndrome-like disorder (NBSLD). Also called: MICROCEPHALY AND SPONTANEOUS CHROMOSOME INSTABILITY WITHOUT IMMUNODEFICIENCY; NBS-LIKE DISORDER; RAD50 DEFICIENCY. Identifiers: Orphanet 240760, MedGen C2751318, MONDO:0013118, OMIM 613078.
Premature menopause. Identifiers: MedGen C0025322, MONDO:0001119.

Allele frequency attached by ClinVar (database versions not stated): gnomAD exomes 0.00014 and 0.00012; ESP Exome Variant Server 0.00023; gnomAD 0.00025 and 0.00023; 1000 Genomes Project 30x 0.00031; ExAC 0.00016; 1000 Genomes Project 0.00020; TOPMed 0.00031.
gnomAD v4.1: 214 of 1,611,854 alleles (0.013%); highest among the groups gnomAD compares: African/African-American, 0.055%; no homozygotes.

Submissions (11):

PreventionGenetics, part of Exact Sciences
Classification: Uncertain significance for RAD50-related condition. Last evaluated: 2026-08-26. Review status: criteria provided, single submitter. Criteria: ACMG Guidelines, 2015. Collection method: clinical testing. Allele origin: germline.
Comment: The RAD50 c.2177G>A variant is predicted to result in the amino acid substitution p.Arg726His. This variant has been reported in individuals with breast cancer (Tommiska et al. 2006. PubMed ID: 16385572; Maxwell et al. 2015. PubMed ID: 25503501) and in one individual with premature ovarian insufficiency (Tucker et al. 2019. PubMed ID: 30924587). This variant is reported in 0.11% of alleles in individuals of Ashkenazi Jewish descent in gnomAD and has conflicting interpretations, including uncertain significance and likely benign in ClinVar (Variation ID: 128001). Although we suspect that this variant may be benign, at this time, the clinical significance of this variant is uncertain due to the absence of conclusive functional and genetic evidence.

Labcorp Genetics (formerly Invitae), Labcorp
Classification: Uncertain significance for Hereditary cancer-predisposing syndrome. Last evaluated: 2025-08-11. Review status: criteria provided, single submitter. Criteria: Invitae Variant Classification Sherloc (09022015). Collection method: clinical testing. Allele origin: germline.
Comment: This sequence change replaces arginine, which is basic and polar, with histidine, which is basic and polar, at codon 726 of the RAD50 protein (p.Arg726His). This variant is present in population databases (rs28903092, gnomAD 0.1%). This missense change has been observed in individual(s) with breast cancer (PMID: 16385572, 25503501, 32658311). ClinVar contains an entry for this variant (Variation ID: 128001). Invitae Evidence Modeling of protein sequence and biophysical properties (such as structural, functional, and spatial information, amino acid conservation, physicochemical variation, residue mobility, and thermodynamic stability) indicates that this missense variant is not expected to disrupt RAD50 protein function with a negative predictive value of 80%. In summary, the available evidence is currently insufficient to determine the role of this variant in disease. Therefore, it has been classified as a Variant of Uncertain Significance.

Quest Diagnostics Nichols Institute San Juan Capistrano
Classification: Uncertain significance. Last evaluated: 2025-07-29. Review status: criteria provided, single submitter. Criteria: Quest Diagnostics criteria. Collection method: clinical testing. Allele origin: unknown.
Comment: The RAD50 c.2177G>A (p.Arg726His) variant has been reported in individuals with breast cancer (PMID: 35534704 (2022), 32658311 (2021), 25503501 (2015), 16385572 (2006)) and premature ovarian insufficiency (PMID: 30924587 (2019)). In a large-scale breast cancer association study, this variant has been observed in individuals with breast cancer as well as in reportedly unaffected individuals (PMID: 33471991 (2021), see also LOVD). The frequency of this variant in the general population (Genome Aggregation Database) is higher than would generally be expected for pathogenic variants in this gene. Analysis of this variant using bioinformatics tools for the prediction of the effect of amino acid changes on protein structure and function yielded predictions that this variant is benign. Based on the available information, we are unable to determine the clinical significance of this variant.

Women's Health and Genetics/Laboratory Corporation of America, LabCorp
Classification: Uncertain significance. Last evaluated: 2025-04-07. Review status: criteria provided, single submitter. Criteria: LabCorp Variant Classification Summary - May 2015. Collection method: clinical testing. Allele origin: germline.
Comment: Variant summary: RAD50 c.2177G>A (p.Arg726His) results in a non-conservative amino acid change located in the RAD50, zinc hook domain (IPR013134) of the encoded protein sequence. Three of five in-silico tools predict a benign effect of the variant on protein function. The variant allele was found at a frequency of 0.00014 in 248808 control chromosomes. This frequency is not significantly higher than estimated for a pathogenic variant in RAD50 causing Nijmegen Breakage Syndrome-Like Disorder (0.00014 vs 0.0024), allowing no conclusion about variant significance. To our knowledge, c.2177G>A has not been reported in the literature in individuals affected with Nijmegen Breakage Syndrome-Like Disorder, and no experimental evidence demonstrating an impact on protein function has been reported. The following publications have been ascertained in the context of this evaluation (PMID: 32658311, 33471991, 31980526, 25503501, 16385572, 31159747, 30924587, 34572942, 22905743, 32868316, 29555771, 32699558, 39315505, 35534704, 31874108, 39256447). ClinVar contains an entry for this variant (Variation ID: 128001). Based on the evidence outlined above, the variant was classified as uncertain significance.

Blueprint Genetics
Classification: Likely benign. Last evaluated: 2024-10-15. Review status: criteria provided, single submitter. Criteria: ACMG Guidelines, 2015. Collection method: clinical testing. Allele origin: germline.

GeneDx
Classification: Uncertain significance. Last evaluated: 2022-07-15. Review status: criteria provided, single submitter. Criteria: GeneDx Variant Classification Process June 2021. Collection method: clinical testing. Allele origin: germline. Affected: yes.
Comment: In silico analysis supports that this missense variant does not alter protein structure/function; Variants in candidate genes are classified as variants of uncertain significance in accordance with ACMG guidelines (Richards et al., 2015); Identified in individuals with personal or family history of breast or other cancer and in an individual with primary ovarian insufficiency (Tommiska et al., 2006; Maxwell et al., 2015; Perkins et al., 2018; Tucker et al., 2019); This variant is associated with the following publications: (PMID: 29555771, 31159747, 30924587, 31980526, 16385572, 25503501)

Genetic Services Laboratory, University of Chicago
Classification: Uncertain significance. Last evaluated: 2021-08-19. Review status: criteria provided, single submitter. Criteria: ACMG Guidelines, 2015. Collection method: clinical testing. Allele origin: germline. Affected: no.
Comment: DNA sequence analysis of the RAD50 gene demonstrated a sequence change, c.2177G>A, in exon 13 that results in an amino acid change, p.Arg726His. This sequence change has been described in the gnomAD database with frequency of 0.11% in the Ashkenazi Jewish subpopulation (dbSNP rs28903092). The p.Arg726His change affects a moderately conserved amino acid residue located in a domain of the RAD50 protein that is known to be functional. In-silico pathogenicity prediction tools (SIFT, PolyPhen2, Align GVGD, REVEL) provide contradictory results for the p.Arg726His substitution. This sequence change has been reported in individuals who had germline genetic testing based on a personal or family history of breast cancer (PMID: 31159747, 16385572, 25503501). Due to insufficient evidences and the lack of functional studies, the clinical significance of the p.Arg726His change remains unknown at this time.

Ambry Genetics
Classification: Likely benign for Hereditary cancer-predisposing syndrome. Last evaluated: 2020-03-24. Review status: criteria provided, single submitter. Criteria: Ambry Variant Classification Scheme 2023. Collection method: clinical testing. Allele origin: germline.

GeneKor MSA
Classification: Uncertain significance for Hereditary cancer-predisposing syndrome. Last evaluated: 2018-08-01. Review status: criteria provided, single submitter. Criteria: ACMG Guidelines, 2015. Collection method: clinical testing. Allele origin: germline. Affected: yes.

Fulgent Genetics
Classification: Uncertain significance for Nijmegen breakage syndrome-like disorder. Last evaluated: 2017-05-23. Review status: criteria provided, single submitter. Criteria: ACMG Guidelines, 2015. Collection method: clinical testing. Allele origin: unknown.

Reproductive Development, Murdoch Childrens Research Institute
Classification: Uncertain significance for Premature ovarian insufficiency. Last evaluated: 2018-01-11. Review status: no assertion criteria provided. Criteria: ACMG Guidelines, 2015. Collection method: research. Allele origin: germline. Affected: yes. Not counted in ClinVar's aggregate classification.

Literature cited by the submitters: PubMed 16385572 (cited by 4 submitters); PubMed 25503501 (cited by 4 submitters); PubMed 32658311 (cited by 3 submitters); PubMed 31159747 (cited by Quest Diagnostics Nichols Institute San Juan Capistrano and Women's Health and Genetics/Laboratory Corporation of America, LabCorp); PubMed 35534704 (cited by Quest Diagnostics Nichols Institute San Juan Capistrano); PubMed 30924587 (cited by Quest Diagnostics Nichols Institute San Juan Capistrano and Women's Health and Genetics/Laboratory Corporation of America, LabCorp); PubMed 33471991 (cited by Quest Diagnostics Nichols Institute San Juan Capistrano and Women's Health and Genetics/Laboratory Corporation of America, LabCorp); PubMed 31980526 (cited by Women's Health and Genetics/Laboratory Corporation of America, LabCorp).